The following is an entry in ClinVar:

NM_000256.3(MYBPC3):c.1723G>A (p.Gly575Ser)

Gene: MYBPC3 (myosin binding protein C3; minus strand). Cytogenetic location: 11p11.2.
Variant type: single nucleotide variant.
Coding change: c.1723G>A on transcript NM_000256.3 (MANE Select); coding-DNA position 1723, G replaced by A.
Protein change: p.Gly575Ser; replaces glycine 575 with serine.
Molecular consequence: missense variant.
Genome position (GRCh38, 1-based): chr11:47,342,058, C>T on the plus strand (G>A on the coding strand, the complement: MYBPC3 is on the minus strand). VCF-style: chr11-47342058-C-T. GRCh37 (hg19) VCF-style: chr11-47363609-C-T.
Other names: short protein forms G575S.
Identifiers: ClinVar variation 3876141 (VCV003876141.1).

ClinVar aggregate classification (germline): Uncertain significance (1 of 4 stars; one submission).

Conditions:
Cardiovascular phenotype. Identifiers: MedGen CN230736.

Submission:

Ambry Genetics
Classification: Uncertain significance for Cardiovascular phenotype. Last evaluated: 2025-02-04. Review status: criteria provided, single submitter. Criteria: Ambry Variant Classification Scheme 2023. Collection method: clinical testing. Allele origin: germline.
Comment: The p.G575S variant (also known as c.1723G>A), located in coding exon 18 of the MYBPC3 gene, results from a G to A substitution at nucleotide position 1723. The glycine at codon 575 is replaced by serine, an amino acid with similar properties. This amino acid position is conserved. In addition, the in silico prediction for this alteration is inconclusive. Based on the available evidence, the clinical significance of this variant remains unclear.